The following is an entry in ClinVar:

NM_000053.4(ATP7B):c.528del (p.Ser177fs)

Gene: ATP7B (ATPase copper transporting beta; minus strand). Cytogenetic location: 13q14.3.
Variant type: Deletion.
Coding change: c.528del on transcript NM_000053.4 (MANE Select); coding-DNA position 528, one base deleted (C; older notation c.528delC).
Protein change: p.Ser177fs; shifts the reading frame from serine 177.
Molecular consequence: frameshift variant.
Genome position (GRCh38, 1-based): chr13:51,974,692, G deleted on the plus strand (C on the coding strand, the reverse complement: ATP7B is on the minus strand). VCF-style (leftmost placement, unchanged base first): chr13-51974691-AG-A. GRCh37 (hg19) VCF-style: chr13-52548827-AG-A.
Other names: c.528del, p.Ser177fs (NM_001005918.3, NM_001243182.2, NM_001330578.2 and 1 more transcripts); short protein forms S177fs.
Identifiers: ClinVar variation 1359998 (VCV001359998.9), dbSNP rs2140098691, ClinGen allele CA2573149662.

ClinVar aggregate classification (germline): Pathogenic/Likely pathogenic. Review status: criteria provided, multiple submitters, no conflicts (2 of 4 stars). 4 submissions from 4 submitters: Pathogenic (1); Likely pathogenic (3). Last evaluated 2024-04-06.

Conditions:
Wilson disease (WND). Also called: Wilson's disease. Identifiers: Orphanet 905, MedGen C0019202, MONDO:0010200, OMIM 277900. Disease mechanism: loss of function.

Submissions (4):

Labcorp Genetics (formerly Invitae), Labcorp
Classification: Pathogenic for Wilson disease. Last evaluated: 2024-04-06. Review status: criteria provided, single submitter. Criteria: Invitae Variant Classification Sherloc (09022015). Collection method: clinical testing. Allele origin: germline.
Comment: This sequence change creates a premature translational stop signal (p.Ser177Hisfs*25) in the ATP7B gene. It is expected to result in an absent or disrupted protein product. Loss-of-function variants in ATP7B are known to be pathogenic (PMID: 10441329, 16283883). This variant is not present in population databases (gnomAD no frequency). This variant has not been reported in the literature in individuals affected with ATP7B-related conditions. ClinVar contains an entry for this variant (Variation ID: 1359998). For these reasons, this variant has been classified as Pathogenic.

Neuberg Centre For Genomic Medicine, NCGM
Classification: Likely pathogenic for Wilson disease. Last evaluated: 2024-02-01. Review status: criteria provided, single submitter. Criteria: ACMG Guidelines, 2015. Collection method: clinical testing. Allele origin: germline. Inheritance: Autosomal recessive inheritance.
Comment: The above variant has not been reported previously in affected individuals, to our knowledge. Loss-of-function variants in ATP7B are known to be pathogenic (Gromadzka G, et al., 2005). However, functional evidence and studies on multiple affected individuals will be required to prove the pathogenicity of this variant conclusively. For these reasons, this variant has been classified as Likely Pathogenic

Fulgent Genetics
Classification: Likely pathogenic for Wilson disease. Last evaluated: 2024-01-06. Review status: criteria provided, single submitter. Criteria: ACMG Guidelines, 2015. Collection method: clinical testing. Allele origin: germline.

Baylor Genetics
Classification: Likely pathogenic for Wilson disease. Last evaluated: 2022-12-01. Review status: criteria provided, single submitter. Criteria: ACMG Guidelines, 2015. Collection method: clinical testing. Allele origin: unknown.

Literature cited by the submitters: PubMed 10441329 (cited by Labcorp Genetics (formerly Invitae), Labcorp); PubMed 16283883 (cited by Labcorp Genetics (formerly Invitae), Labcorp).